The following is an entry in ClinVar:

ClinVar aggregate classification (germline): Uncertain significance (1 of 4 stars; one submission).

Conditions:
Hereditary diffuse gastric adenocarcinoma (HDGC). Also called: DIFFUSE GASTRIC AND LOBULAR BREAST CANCER SYNDROME. Identifiers: Orphanet 26106, MedGen C1708349, MONDO:0007648, OMIM 137215.

Submission:

Labcorp Genetics (formerly Invitae), Labcorp
Classification: Uncertain significance for Hereditary diffuse gastric adenocarcinoma. Last evaluated: 2025-07-09. Review status: criteria provided, single submitter. Criteria: Invitae Variant Classification Sherloc (09022015). Collection method: clinical testing. Allele origin: germline.
Comment: This sequence change replaces alanine, which is neutral and non-polar, with valine, which is neutral and non-polar, at codon 137 of the CDH1 protein (p.Ala137Val). This variant is not present in population databases (gnomAD no frequency). This variant has not been reported in the literature in individuals affected with CDH1-related conditions. An algorithm developed to predict the effect of missense changes on protein structure and function outputs the following: PolyPhen-2: "Benign". The valine amino acid residue is found in multiple mammalian species, which suggests that this missense change does not adversely affect protein function. In summary, the available evidence is currently insufficient to determine the role of this variant in disease. Therefore, it has been classified as a Variant of Uncertain Significance.

NM_004360.5(CDH1):c.410C>T (p.Ala137Val)

Gene: CDH1 (cadherin 1; plus strand). Cytogenetic location: 16q22.1.
Variant type: single nucleotide variant.
Coding change: c.410C>T on transcript NM_004360.5 (MANE Select); coding-DNA position 410, C replaced by T.
Protein change: p.Ala137Val; replaces alanine 137 with valine.
Molecular consequence: missense variant. On other transcripts: 5 prime UTR variant (2).
Genome position (GRCh38, 1-based): chr16:68,808,446, C>T. VCF-style: chr16-68808446-C-T. GRCh37 (hg19) VCF-style: chr16-68842349-C-T.
Other names: c.410C>T, p.Ala137Val (NM_001317184.2); c.-1206C>T (NM_001317185.2); c.-1410C>T (NM_001317186.2); short protein forms A137V.
Identifiers: ClinVar variation 4722909 (VCV004722909.1).